The following is an entry in ClinVar:

NM_024741.3(ZNF408):c.265G>C (p.Gly89Arg)

Gene: ZNF408 (zinc finger protein 408; plus strand). Cytogenetic location: 11p11.2.
Variant type: single nucleotide variant.
Coding change: c.265G>C on transcript NM_024741.3 (MANE Select); coding-DNA position 265, G replaced by C.
Protein change: p.Gly89Arg; replaces glycine 89 with arginine.
Molecular consequence: missense variant.
Genome position (GRCh38, 1-based): chr11:46,701,611, G>C. VCF-style: chr11-46701611-G-C. GRCh37 (hg19) VCF-style: chr11-46723161-G-C.
Other names: c.241G>C, p.Gly81Arg (NM_001184751.2); short protein forms G89R, G81R.
Identifiers: ClinVar variation 3662577 (VCV003662577.2).

ClinVar aggregate classification (germline): Uncertain significance (1 of 4 stars; one submission).

Submission:

Labcorp Genetics (formerly Invitae), Labcorp
Classification: Uncertain significance. Last evaluated: 2024-08-15. Review status: criteria provided, single submitter. Criteria: Invitae Variant Classification Sherloc (09022015). Collection method: clinical testing. Allele origin: germline.
Comment: This sequence change replaces glycine, which is neutral and non-polar, with arginine, which is basic and polar, at codon 89 of the ZNF408 protein (p.Gly89Arg). This variant is not present in population databases (gnomAD no frequency). This variant has not been reported in the literature in individuals affected with ZNF408-related conditions. An algorithm developed to predict the effect of missense changes on protein structure and function (PolyPhen-2) suggests that this variant is likely to be disruptive. In summary, the available evidence is currently insufficient to determine the role of this variant in disease. Therefore, it has been classified as a Variant of Uncertain Significance.